The following is an entry in ClinVar:

ClinVar aggregate classification (germline): Uncertain significance (1 of 4 stars; one submission).

Allele frequency attached by ClinVar (database versions not stated): TOPMed 0.00008; gnomAD 0.00017; ExAC 0.00022; gnomAD exomes 0.00034; 1000 Genomes Project 30x 0.00109; 1000 Genomes Project 0.00140.
gnomAD v4.1: 503 of 1,613,514 alleles (0.031%); highest among the groups gnomAD compares: East Asian, 1.1%; 7 homozygotes.

Submission:

Labcorp Genetics (formerly Invitae), Labcorp
Classification: Uncertain significance. Last evaluated: 2023-10-17. Review status: criteria provided, single submitter. Criteria: Invitae Variant Classification Sherloc (09022015). Collection method: clinical testing. Allele origin: germline.
Comment: This sequence change replaces valine, which is neutral and non-polar, with methionine, which is neutral and non-polar, at codon 473 of the SLC13A3 protein (p.Val473Met). This variant is present in population databases (rs138354653, gnomAD 0.2%), and has an allele count higher than expected for a pathogenic variant. This variant has not been reported in the literature in individuals affected with SLC13A3-related conditions. Advanced modeling of protein sequence and biophysical properties (such as structural, functional, and spatial information, amino acid conservation, physicochemical variation, residue mobility, and thermodynamic stability) performed at Invitae indicates that this missense variant is not expected to disrupt SLC13A3 protein function. In summary, the available evidence is currently insufficient to determine the role of this variant in disease. Therefore, it has been classified as a Variant of Uncertain Significance.

NM_022829.6(SLC13A3):c.1417G>A (p.Val473Met)

Gene: SLC13A3 (solute carrier family 13 member 3; minus strand). Cytogenetic location: 20q13.12.
Variant type: single nucleotide variant.
Coding change: c.1417G>A on transcript NM_022829.6 (MANE Select); coding-DNA position 1417, G replaced by A.
Protein change: p.Val473Met; replaces valine 473 with methionine.
Molecular consequence: missense variant.
Genome position (GRCh38, 1-based): chr20:46,566,306, C>T on the plus strand (G>A on the coding strand, the complement: SLC13A3 is on the minus strand). VCF-style: chr20-46566306-C-T. GRCh37 (hg19) VCF-style: chr20-45194945-C-T.
Other names: c.1276G>A, p.Val426Met (NM_001011554.3); c.1267G>A, p.Val423Met (NM_001193339.2); c.1171G>A, p.Val391Met (NM_001193340.2); c.1123G>A, p.Val375Met (NM_001193342.2); short protein forms V426M, V391M, V375M, V423M, V473M.
Identifiers: ClinVar variation 2888583 (VCV002888583.2), dbSNP rs138354653, ClinGen allele CA9891273.